The following is an entry in ClinVar:

NM_000179.3(MSH6):c.3359A>C (p.Glu1120Ala)

Gene: MSH6 (mutS homolog 6; plus strand). Cytogenetic location: 2p16.3.
Variant type: single nucleotide variant.
Coding change: c.3359A>C on transcript NM_000179.3 (MANE Select); coding-DNA position 3359, A replaced by C.
Protein change: p.Glu1120Ala; replaces glutamic acid 1120 with alanine.
Molecular consequence: missense variant.
Genome position (GRCh38, 1-based): chr2:47,803,606, A>C. VCF-style: chr2-47803606-A-C. GRCh37 (hg19) VCF-style: chr2-48030745-A-C.
Other names: c.2969A>C, p.Glu990Ala (NM_001281492.2); c.2453A>C, p.Glu818Ala (NM_001281493.2, NM_001281494.2); short protein forms E1120A, E990A, E818A.
Identifiers: ClinVar variation 1037409 (VCV001037409.9), dbSNP rs1669764840, ClinGen allele CA346758774.

ClinVar aggregate classification (germline): Uncertain significance (1 of 4 stars; one submission).

Conditions:
Hereditary nonpolyposis colorectal neoplasms. Identifiers: MedGen C0009405, MeSH D003123.

Submission:

Labcorp Genetics (formerly Invitae), Labcorp
Classification: Uncertain significance for Hereditary nonpolyposis colorectal neoplasms. Last evaluated: 2025-07-18. Review status: criteria provided, single submitter. Criteria: Invitae Variant Classification Sherloc (09022015). Collection method: clinical testing. Allele origin: germline.
Comment: This sequence change replaces glutamic acid, which is acidic and polar, with alanine, which is neutral and non-polar, at codon 1120 of the MSH6 protein (p.Glu1120Ala). This variant is not present in population databases (gnomAD no frequency). This variant has not been reported in the literature in individuals affected with MSH6-related conditions. ClinVar contains an entry for this variant (Variation ID: 1037409). Invitae Evidence Modeling of protein sequence and biophysical properties (such as structural, functional, and spatial information, amino acid conservation, physicochemical variation, residue mobility, and thermodynamic stability) indicates that this missense variant is not expected to disrupt MSH6 protein function with a negative predictive value of 95%. In summary, the available evidence is currently insufficient to determine the role of this variant in disease. Therefore, it has been classified as a Variant of Uncertain Significance.